The following is an entry in ClinVar:

NM_003919.3(SGCE):c.1253+814G>A

Genes: CASD1 (CAS1 domain sialic acid O acetyltransferase 1; plus strand), SGCE (sarcoglycan epsilon; minus strand). Cytogenetic location: 7q21.3.
Variant type: single nucleotide variant.
Coding change: c.1253+814G>A on transcript NM_003919.3 (MANE Select); 814 bases into the intron after coding-DNA position 1253, G replaced by A.
Molecular consequence: intron variant. On other transcripts: missense variant (1).
Genome position (GRCh38, 1-based): chr7:94,597,961, C>T on the plus strand (G>A on the coding strand, the complement: SGCE is on the minus strand). VCF-style: chr7-94597961-C-T. GRCh37 (hg19) VCF-style: chr7-94227273-C-T.
Other names: c.1297G>A, p.Asp433Asn (NM_001099401.2); c.1103+814G>A (NM_001362809.2); c.1130+814G>A (NM_001301139.2); c.1226+814G>A (NM_001346717.2, NM_001099400.2); c.1334+814G>A (NM_001346715.2); c.1361+814G>A (NM_001346713.2); c.1139+814G>A (NM_001362807.2); c.953+814G>A (NM_001362808.2); and 2 more; short protein forms D433N.
Identifiers: ClinVar variation 586562 (VCV000586562.56), dbSNP rs183951730, ClinGen allele CA4348584.
Genomic context (GRCh38, chr7:94,597,961, plus strand): 5'-GGAGGCTGAGGCAGGAGAATCACTTGAACCTGGGAGGCGGAGGCTGCAGTGAGCCAAGAT[C>T]GCTCCATTGCACTCCAGCCTGGGCAACAGGAGCGAAACTCCATCTTAAAAAAAAAAAAGA-3'

ClinVar aggregate classification (germline): Benign/Likely benign. Review status: criteria provided, multiple submitters, no conflicts (2 of 4 stars). 7 submissions from 7 submitters: Benign (3); Likely benign (2). 2 of the submissions do not count toward it. Last evaluated 2026-08-01.

Conditions:
Myoclonic dystonia 11 (DYT11). Also called: Myoclonic dystonia; Dystonia, alcohol responsive; Hereditary essential myoclonus; SGCE Myoclonus-Dystonia; DYT-SGCE; Myoclonus-Dystonia. Identifiers: Orphanet 36899, MedGen C1834570, MONDO:0008044, OMIM 159900.

Allele frequency attached by ClinVar (database versions not stated): 1000 Genomes Project 30x 0.00437; 1000 Genomes Project 0.00459; gnomAD exomes 0.00609 and 0.00832; gnomAD 0.00867 and 0.00875; TOPMed 0.00900; ExAC 0.02174.
gnomAD v4.1: 1,417 of 163,474 alleles (0.87%); highest among the groups gnomAD compares: Middle Eastern, 2.3%; 9 homozygotes.

Submissions (7):

CeGaT Center for Human Genetics Tuebingen
Classification: Benign. Last evaluated: 2026-08-01. Review status: criteria provided, single submitter. Criteria: CeGaT Center For Human Genetics Tuebingen Variant Classification Criteria Version 2. Collection method: clinical testing. Allele origin: germline. Affected: yes. Observed: 28 variant alleles.
Comment: SGCE: BP4, BS1, BS2

Labcorp Genetics (formerly Invitae), Labcorp
Classification: Benign for Myoclonic dystonia 11. Last evaluated: 2025-09-08. Review status: criteria provided, single submitter. Criteria: Invitae Variant Classification Sherloc (09022015). Collection method: clinical testing. Allele origin: germline.

Blueprint Genetics
Classification: Likely benign. Last evaluated: 2024-04-02. Review status: criteria provided, single submitter. Criteria: ACMG Guidelines, 2015. Collection method: clinical testing. Allele origin: germline.

Athena Diagnostics
Classification: Benign. Last evaluated: 2023-12-07. Review status: criteria provided, single submitter. Criteria: Athena Diagnostics Criteria. Collection method: clinical testing. Allele origin: unknown.

Breakthrough Genomics
Classification: Likely benign. Review status: criteria provided, single submitter. Criteria: ACMG Guidelines, 2015. Collection method: not provided. Allele origin: germline. Inheritance: Autosomal dominant inheritance. Affected: yes.

Diagnostic Laboratory, Department of Genetics, University Medical Center Groningen
Classification: Likely benign. Review status: no assertion criteria provided. Collection method: clinical testing. Allele origin: germline. Affected: yes. Study: VKGL Data-share Consensus. Not counted in ClinVar's aggregate classification.

Laboratory of Diagnostic Genome Analysis, Leiden University Medical Center (LUMC)
Classification: Likely benign. Review status: no assertion criteria provided. Collection method: clinical testing. Allele origin: germline. Affected: yes. Study: VKGL Data-share Consensus. Not counted in ClinVar's aggregate classification.

Literature cited by the submitters: PubMed 23748201 (cited by Athena Diagnostics); PubMed 16227522 (cited by Athena Diagnostics).